The following is an entry in ClinVar:

ClinVar aggregate classification (germline): Pathogenic. Review status: reviewed by expert panel (3 of 4 stars). 12 submissions from 12 submitters: Pathogenic (1). 11 of the submissions do not count toward it. Last evaluated 2025-01-08.

Conditions:
Neuromuscular disease caused by qualitative or quantitative defects of dysferlin. Also called: Dysferlinopathy; Qualitative or quantitative defects of dysferlin. Identifiers: Orphanet 207073, MedGen C2931687, MONDO:0016145.
Miyoshi muscular dystrophy 1 (MMD1). Identifiers: Orphanet 45448, MedGen C4551973, MONDO:0024545, OMIM 254130.
Autosomal recessive limb-girdle muscular dystrophy type 2B (LGMDR2). Also called: Limb-Girdle Muscular Dystrophy Type 2B (LGMD2B); MUSCULAR DYSTROPHY, LIMB-GIRDLE, TYPE 3; Limb-girdle muscular dystrophy, type 2B; MUSCULAR DYSTROPHY, LIMB-GIRDLE, AUTOSOMAL RECESSIVE 2. Identifiers: Orphanet 268, MedGen C1850889, MONDO:0009676, OMIM 253601.
Autosomal recessive limb-girdle muscular dystrophy. Identifiers: Orphanet 102015, MedGen C2931907, MONDO:0015152.
Distal myopathy with anterior tibial onset. Identifiers: Orphanet 178400, MedGen C1847532, MONDO:0011721, OMIM 606768.

Allele frequency attached by ClinVar (database versions not stated): gnomAD exomes 0.00001 and 0.00002; ExAC 0.00002.
gnomAD v4.1: 14 of 1,614,132 alleles (0.00087%); highest among the groups gnomAD compares: South Asian, 0.013%; no homozygotes.

Submissions (12):

ClinGen Limb Girdle Muscular Dystrophy Variant Curation Expert Panel, ClinGen
Classification: Pathogenic for Autosomal recessive limb-girdle muscular dystrophy. Last evaluated: 2025-01-08. Review status: reviewed by expert panel. Criteria: ClinGen LGMD VCEP ACMG Specifications DYSF V1.0.0. Collection method: curation. Allele origin: germline. Inheritance: Autosomal recessive inheritance.
Comment: The NM_003494.4: c.4022T>C variant in DYSF, which is also known as NM_001130987.2: c.4076T>C p.(Leu1359Pro), is a missense variant predicted to cause substitution of leucine by proline at amino acid 1341 (p.Leu1341Pro). This variant has been detected in a homozygous state in at least seven individuals with clinical signs of limb girdle muscular dystrophy (1.0 pt, PMID: 16705711, 19528035, 22057634, 26436962, 27647186, 28403181, 34559919, 34624274) (PM3). It has also been observed in trans with a nonsense variant, c.4228C>T p.(Gln1410Ter), in one affected individual (PMID: 34624274). At least one patient with this variant displayed progressive limb girdle muscle weakness and absent dysferlin protein expression, which is highly specific for DYSF-associated LGMD (PP4_Strong, PMID: 16705711, 21522182). The variant was also reported to co-segregate with the disease in six affected family members from three families (PMID: 16705711, 21522182, 34624274) (PP1, capped with PP4_Strong). The filtering allele frequency of the variants is 0.0003434 for South Asian exome alleles in gnomAD v2.1.1 (the upper threshold of the 95% CI of 5/30616), which is greater than the LGMD VCEP threshold (<0.0001) for PM2_Supporting (criterion not met). Knock-in mice homozygous for the murine equivalent of the human p.Leu1341Pro variant recapitulated key features of dysferlinopathy observed in human patients and tissue, including signs of progressive muscular dystrophy with onset in early adulthood, severely reduced expression of dysferlin at the plasma membrane in skeletal muscle, amyloid deposition, and delayed membrane repair (PMID: 30292141) (PS3). In addition, immunofluorescence and 2-A assays of dysferlin membrane localization in HEK293T cells showed the Leu1341Pro protein did not reach the cell membrane, indicating an impact on protein function (PMID: 35028538). The computational predictor REVEL gives a score of 0.89, which exceeds the VCEP threshold of ≥0.70, evidence that correlates with impact to DYSF function (PP3). In summary, this variant meets the criteria to be classified as Pathogenic for autosomal recessive limb-girdle muscular dystrophy based on the ACMG/AMP criteria applied, as specified by the ClinGen LGMD VCEP (LGMD VCEP specifications version 1.0.0; 01/08/2025): PM3, PP4_Strong, PP1, PS3, PP3.

3billion
Classification: Pathogenic for Autosomal recessive limb-girdle muscular dystrophy type 2B. Last evaluated: 2025-09-17. Review status: criteria provided, single submitter. Criteria: ACMG Guidelines, 2015. Collection method: clinical testing. Allele origin: germline. Affected: yes. Not counted in ClinVar's aggregate classification.
Comment: The variant is observed at an extremely low frequency in the gnomAD v4.1.0 dataset (total allele frequency: <0.001%). Predicted Consequence/Location: Missense variant Functional studies provide moderate evidence of the variant having a damaging effect on the gene or gene product (PMID: 23185377, 30292141). In silico tool predictions suggest damaging effect of the variant on gene or gene product [REVEL: 0.89 (>=0.6, sensitivity 0.68 and specificity 0.92); 3Cnet: 0.98 (> 0.75, sensitivity 0.96 and precision 0.92)]. The same nucleotide change resulting in the same amino acid change has been previously reported as pathogenic/likely pathogenic with strong evidence (ClinVar ID: VCV000555968 /PMID: 16705711 /3billion dataset). The variant has been reported to be in trans with a pathogenic variant as either compound heterozygous or homozygous in at least one similarly affected unrelated individual (PMID: 19528035, 26436962). Therefore, this variant is classified as Pathogenic according to the recommendation of ACMG/AMP guideline.

Labcorp Genetics (formerly Invitae), Labcorp
Classification: Pathogenic for Neuromuscular disease caused by qualitative or quantitative defects of dysferlin. Last evaluated: 2024-11-10. Review status: criteria provided, single submitter. Criteria: Invitae Variant Classification Sherloc (09022015). Collection method: clinical testing. Allele origin: germline. Not counted in ClinVar's aggregate classification.
Comment: This sequence change replaces leucine, which is neutral and non-polar, with proline, which is neutral and non-polar, at codon 1341 of the DYSF protein (p.Leu1341Pro). This variant is present in population databases (rs757917335, gnomAD 0.02%). This missense change has been observed in individual(s) with autosomal recessive dysferlinopathies (PMID: 16705711, 19528035, 22057634, 26436962, 27647186). It has also been observed to segregate with disease in related individuals. ClinVar contains an entry for this variant (Variation ID: 555968). Invitae Evidence Modeling of protein sequence and biophysical properties (such as structural, functional, and spatial information, amino acid conservation, physicochemical variation, residue mobility, and thermodynamic stability) has been performed for this missense variant. However, the output from this modeling did not meet the statistical confidence thresholds required to predict the impact of this variant on DYSF protein function. Experimental studies have shown that this missense change affects DYSF function (PMID: 23185377, 30292141). For these reasons, this variant has been classified as Pathogenic.

Revvity Omics, Revvity
Classification: Pathogenic. Last evaluated: 2024-10-08. Review status: criteria provided, single submitter. Criteria: ACMG Guidelines, 2015. Collection method: clinical testing. Allele origin: germline. Not counted in ClinVar's aggregate classification.

Fulgent Genetics
Classification: Pathogenic for Autosomal recessive limb-girdle muscular dystrophy type 2B; Miyoshi muscular dystrophy 1; Distal myopathy with anterior tibial onset. Last evaluated: 2024-05-06. Review status: criteria provided, single submitter. Criteria: ACMG Guidelines, 2015. Collection method: clinical testing. Allele origin: germline. Not counted in ClinVar's aggregate classification.

Women's Health and Genetics/Laboratory Corporation of America, LabCorp
Classification: Pathogenic for Autosomal recessive limb-girdle muscular dystrophy. Last evaluated: 2024-04-30. Review status: criteria provided, single submitter. Criteria: LabCorp Variant Classification Summary - May 2015. Collection method: clinical testing. Allele origin: germline. Not counted in ClinVar's aggregate classification.
Comment: Variant summary: DYSF c.4022T>C (p.Leu1341Pro) results in a non-conservative amino acid change in the encoded protein sequence. Five of five in-silico tools predict a damaging effect of the variant on protein function. The variant allele was found at a frequency of 2e-05 in 251292 control chromosomes (gnomAD). c.4022T>C has been reported in the literature in multiple individuals affected with Limb-Girdle Muscular Dystrophy, Autosomal Recessive (e.g. Wenzel_2006, Ababneh_2021). These data indicate that the variant is very likely to be associated with disease. The following publications have been ascertained in the context of this evaluation (PMID: 16705711, 34624274). ClinVar contains an entry for this variant (Variation ID: 555968). Based on the evidence outlined above, the variant was classified as pathogenic.

Breakthrough Genomics
Classification: Pathogenic for Autosomal recessive limb-girdle muscular dystrophy type 2B. Last evaluated: 2024-04-02. Review status: criteria provided, single submitter. Criteria: ACMG Guidelines, 2015. Collection method: clinical testing. Allele origin: germline. Affected: yes. Not counted in ClinVar's aggregate classification.
Comment: This variant is predicted to be damaging by in-silico missense prediction tools (REVEL, SIFT and Polyphen2). It was previously reported in patients affected with dysferlinopathies/ limb girdle muscular dystrophy and segregated with disease in a family [PMID: 16705711, 19528035, 22057634, 26436962, 27647186]. This variant has been reported to affect proper folding of the dysferlin C2E domain and it leads to aggregated formation of non-functional protein. [PMID: 23185377, 30292141].

Baylor Genetics
Classification: Pathogenic for Miyoshi muscular dystrophy 1. Last evaluated: 2024-02-12. Review status: criteria provided, single submitter. Criteria: ACMG Guidelines, 2015. Collection method: clinical testing. Allele origin: unknown. Not counted in ClinVar's aggregate classification.

CeGaT Center for Human Genetics Tuebingen
Classification: Pathogenic. Last evaluated: 2021-03-01. Review status: criteria provided, single submitter. Criteria: CeGaT Center For Human Genetics Tuebingen Variant Classification Criteria Version 2. Collection method: clinical testing. Allele origin: germline. Affected: yes. Observed: 2 variant alleles. Not counted in ClinVar's aggregate classification.

James R Lupski Laboratory, Baylor College Of Medicine
Classification: Pathogenic for Autosomal recessive limb-girdle muscular dystrophy type 2B. Last evaluated: 2019-07-01. Review status: criteria provided, single submitter. Criteria: ACMG Guidelines, 2015. Collection method: research. Allele origin: germline. Inheritance: Autosomal recessive inheritance. Affected: yes. Observed: 5 variant alleles, 5 homozygotes. Clinical features observed: EMG: myopathic abnormalities (HP:0003458), Difficulty climbing stairs (HP:0003551), Difficulty running (HP:0009046), Proximal muscle weakness (HP:0003701), Elevated circulating creatine kinase activity (HP:0003236). Not counted in ClinVar's aggregate classification.

CENTOGENE GmbH and LLC - Guiding Precision Medicine
Classification: Pathogenic for Autosomal recessive limb-girdle muscular dystrophy type 2B. Review status: criteria provided, single submitter. Criteria: ACMG Guidelines, 2015. Collection method: clinical testing. Allele origin: germline. Affected: yes. Not counted in ClinVar's aggregate classification.

Counsyl
Classification: Likely pathogenic for Autosomal recessive limb-girdle muscular dystrophy type 2B. Last evaluated: 2018-01-04. Review status: no assertion criteria provided. Collection method: clinical testing. Allele origin: unknown. Not counted in ClinVar's aggregate classification.

Literature cited by the submitters: PubMed 23185377 (cited by 4 submitters); PubMed 35028538 (cited by ClinGen Limb Girdle Muscular Dystrophy Variant Curation Expert Panel, ClinGen); PubMed 30292141 (cited by 3 submitters); PubMed 19528035 (cited by 3billion and Labcorp Genetics (formerly Invitae), Labcorp); PubMed 26436962 (cited by 3 submitters); PubMed 16705711 (cited by 4 submitters); PubMed 22057634 (cited by Labcorp Genetics (formerly Invitae), Labcorp and Counsyl); PubMed 27647186 (cited by Labcorp Genetics (formerly Invitae), Labcorp and Counsyl); PubMed 34624274 (cited by Women's Health and Genetics/Laboratory Corporation of America, LabCorp); PubMed 32860008 (cited by CENTOGENE GmbH and LLC - Guiding Precision Medicine); PubMed 28104817 (cited by Counsyl); PubMed 21522182 (cited by Counsyl); PubMed 17331981 (cited by Counsyl).

NM_001130987.2(DYSF):c.4076T>C (p.Leu1359Pro)

Gene: DYSF (dysferlin; plus strand). Cytogenetic location: 2p13.2.
Variant type: single nucleotide variant.
Coding change: c.4076T>C on transcript NM_001130987.2 (MANE Select); coding-DNA position 4076, T replaced by C.
Protein change: p.Leu1359Pro; replaces leucine 1359 with proline.
Molecular consequence: missense variant.
Genome position (GRCh38, 1-based): chr2:71,611,481, T>C. VCF-style: chr2-71611481-T-C. GRCh37 (hg19) VCF-style: chr2-71838611-T-C.
Other names: p.Leu1359Pro; NM_001130987.2(DYSF):c.4076T>C; c.4025T>C, p.Leu1342Pro (NM_001130455.2, NM_001130983.2); c.3980T>C, p.Leu1327Pro (NM_001130976.2, NM_001130977.2); c.4022T>C, p.Leu1341Pro (NM_001130978.2, NM_003494.4); c.4115T>C, p.Leu1372Pro (NM_001130979.2); c.4073T>C, p.Leu1358Pro (NM_001130980.2, NM_001130981.2); c.4118T>C, p.Leu1373Pro (NM_001130982.2); and 2 more; short protein forms L1341P, L1359P, L1328P, L1342P, L1327P, L1372P, L1358P, L1373P.
Identifiers: ClinVar variation 555968 (VCV000555968.53), dbSNP rs757917335, ClinGen allele CA1706888.